The following is an entry in ClinVar:

NM_000517.6(HBA2):c.87_95+7del

Genes: HBA2 (hemoglobin subunit alpha 2; plus strand), LOC106804612 (hemoglobin subunit alpha 2 recombination region; plus strand). Cytogenetic location: 16p13.3.
Variant type: Deletion.
Coding change: c.87_95+7del on transcript NM_000517.6 (MANE Select); coding-DNA position 87 through 7 bases into the intron after coding-DNA position 95, 16 bases deleted (CCTGGAGAGGTGAGGC).
Molecular consequence: splice donor variant.
Genome position (GRCh38, 1-based): chr16:172,999-173,014, CCTGGAGAGGTGAGGC deleted; deleting any 16 consecutive bases within chr16:172,994-173,014 gives the same sequence; the c. name uses the placement nearest the transcript's 3' end. VCF-style (leftmost placement, unchanged base first): chr16-172993-GGAGGCCCTGGAGAGGT-G. GRCh37 (hg19) VCF-style: chr16-222992-GGAGGCCCTGGAGAGGT-G.
Identifiers: ClinVar variation 4818677 (VCV004818677.1).

ClinVar aggregate classification (germline): Likely pathogenic (1 of 4 stars; one submission).

Conditions:
alpha Thalassemia. Also called: Alpha thalassemia spectrum. Identifiers: Orphanet 846, MedGen C0002312, MONDO:0011399, OMIM 604131.

Submission:

Natera, Inc.
Classification: Likely pathogenic for Alpha thalassemia. Last evaluated: 2024-06-07. Review status: criteria provided, single submitter. Criteria: Natera Variant Classification Schema (03/2026). Collection method: clinical testing. Allele origin: germline.
Comment: The c.87_95+7del variant in HBA2 is a frameshift variant predicted to shift the reading frame and introduce a stop codon. This variant is expected to result in nonsense mediated decay, truncation, or a dysfunctional protein product. This variant is rare in the general population with a frequency below the threshold expected for the associated phenotype(s). Given the available evidence, this variant is classified as Likely Pathogenic.